The following is an entry in ClinVar:

NM_000393.5(COL5A2):c.1717-86A>G

Gene: COL5A2 (collagen type V alpha 2 chain; minus strand). Cytogenetic location: 2q32.2.
Variant type: single nucleotide variant.
Coding change: c.1717-86A>G on transcript NM_000393.5 (MANE Select); 86 bases into the intron before coding-DNA position 1717, A replaced by G.
Molecular consequence: intron variant.
Genome position (GRCh38, 1-based): chr2:189,064,119, T>C on the plus strand (A>G on the coding strand, the complement: COL5A2 is on the minus strand). VCF-style: chr2-189064119-T-C. GRCh37 (hg19) VCF-style: chr2-189928845-T-C.
Identifiers: ClinVar variation 675970 (VCV000675970.2), dbSNP rs189980880, ClinGen allele CA62601430.
Genomic context (GRCh38, chr2:189,064,119, plus strand): 5'-TTTGTTGCTGATATGCAGTTGAAGTAAAGATTCTTAAGAGTAAAAATAGTGTTGCATTTT[T>C]GTCAACTGAATAGAATGACATTTCTGTAAATCAAATAAATTTTTAAGTGATGTATTGTTA-3'

ClinVar aggregate classification (germline): Likely benign. Review status: criteria provided, multiple submitters, no conflicts (2 of 4 stars). 2 submissions from 2 submitters: Likely benign (2). Last evaluated 2018-06-14.

Allele frequency attached by ClinVar (database versions not stated): TOPMed 0.00333; 1000 Genomes Project 30x 0.00359; 1000 Genomes Project 0.00399; gnomAD 0.00674 and 0.00684; gnomAD exomes 0.00821.
gnomAD v4.1: 8,248 of 1,041,852 alleles (0.79%); highest among the groups gnomAD compares: Non-Finnish European, 0.74%; 65 homozygotes.

Submissions (2):

GeneDx
Classification: Likely benign. Last evaluated: 2018-06-14. Review status: criteria provided, single submitter. Criteria: GeneDx Variant Classification (06012015). Collection method: clinical testing. Allele origin: germline. Affected: yes.
Comment: This variant is considered likely benign or benign based on one or more of the following criteria: it is a conservative change, it occurs at a poorly conserved position in the protein, it is predicted to be benign by multiple in silico algorithms, and/or has population frequency not consistent with disease.

Breakthrough Genomics
Classification: Likely benign. Review status: criteria provided, single submitter. Criteria: ACMG Guidelines, 2015. Collection method: not provided. Allele origin: germline. Inheritance: Autosomal dominant inheritance. Affected: yes.